The following is an entry in ClinVar:

ClinVar aggregate classification (germline): Likely pathogenic (1 of 4 stars; one submission).

Allele frequency attached by ClinVar (database versions not stated): gnomAD exomes below 0.00001.
gnomAD v4.1: 1 of 1,513,290 alleles (0.000066%); no homozygotes.

Submission:

Labcorp Genetics (formerly Invitae), Labcorp
Classification: Likely pathogenic. Last evaluated: 2023-08-01. Review status: criteria provided, single submitter. Criteria: Invitae Variant Classification Sherloc (09022015). Collection method: clinical testing. Allele origin: germline.
Comment: In summary, the currently available evidence indicates that the variant is pathogenic, but additional data are needed to prove that conclusively. Therefore, this variant has been classified as Likely Pathogenic. This variant has not been reported in the literature in individuals affected with CC2D1A-related conditions. This variant is present in population databases (no rsID available, gnomAD 0.03%). This sequence change affects a donor splice site in intron 2 of the CC2D1A gene. It is expected to disrupt RNA splicing. Variants that disrupt the donor or acceptor splice site typically lead to a loss of protein function (PMID: 16199547), and loss-of-function variants in CC2D1A are known to be pathogenic (PMID: 16033914).

Literature cited by the submitters: PubMed 16199547; PubMed 16033914.

NM_017721.5(CC2D1A):c.196+1G>A

Gene: CC2D1A (coiled-coil and C2 domain containing 1A; plus strand). Cytogenetic location: 19p13.12.
Variant type: single nucleotide variant.
Coding change: c.196+1G>A on transcript NM_017721.5 (MANE Select); the canonical splice donor site of the intron after coding-DNA position 196, G replaced by A.
Molecular consequence: splice donor variant.
Genome position (GRCh38, 1-based): chr19:13,909,959, G>A. VCF-style: chr19-13909959-G-A. GRCh37 (hg19) VCF-style: chr19-14020772-G-A.
Other names: c.196+1G>A (NM_001411138.1).
Identifiers: ClinVar variation 2749020 (VCV002749020.3), dbSNP rs1358918716, ClinGen allele CA404374042.